The following is an entry in ClinVar:

NM_000051.4(ATM):c.4579C>G (p.Leu1527Val)

Gene: ATM (ATM serine/threonine kinase; plus strand). Cytogenetic location: 11q22.3.
Variant type: single nucleotide variant.
Coding change: c.4579C>G on transcript NM_000051.4 (MANE Select); coding-DNA position 4579, C replaced by G.
Protein change: p.Leu1527Val; replaces leucine 1527 with valine.
Molecular consequence: missense variant.
Genome position (GRCh38, 1-based): chr11:108,292,761, C>G. VCF-style: chr11-108292761-C-G. GRCh37 (hg19) VCF-style: chr11-108163488-C-G.
Other names: c.4579C>G, p.Leu1527Val (NM_001351834.2); short protein forms L1527V.
Identifiers: ClinVar variation 482679 (VCV000482679.12), dbSNP rs1555099997, ClinGen allele CA382533926.

ClinVar aggregate classification (germline): Uncertain significance. Review status: criteria provided, multiple submitters, no conflicts (2 of 4 stars). 4 submissions from 4 submitters: Uncertain significance (3). 1 of the submissions does not count toward it. Last evaluated 2023-07-11.

Conditions:
Hereditary cancer-predisposing syndrome. Also called: Hereditary neoplastic syndrome; Neoplastic Syndromes, Hereditary; Tumor predisposition; Hereditary Cancer Syndrome. Identifiers: Orphanet 140162, MedGen C0027672, MeSH D009386, MONDO:0015356.
Familial cancer of breast. Also called: BREAST CANCER, FAMILIAL; Hereditary breast cancer; hereditary breast carcinoma. Identifiers: Orphanet 227535, MedGen C0346153, MONDO:0016419, OMIM 114480. Disease mechanism: loss of function.
Ataxia-telangiectasia syndrome (AT). Also called: LOUIS-BAR SYNDROME; Cerebello-oculocutaneous telangiectasia; Immunodeficiency with ataxia telangiectasia; AT, COMPLEMENTATION GROUP C; Ataxia-telangiectasia, complementation group D; ATAXIA-TELANGIECTASIA, COMPLEMENTATION GROUP A. Identifiers: Orphanet 100, MedGen C0004135, MONDO:0008840, OMIM 208900.

Submissions (4):

Baylor Genetics
Classification: Uncertain significance for Familial cancer of breast. Last evaluated: 2023-07-11. Review status: criteria provided, single submitter. Criteria: ACMG Guidelines, 2015. Collection method: clinical testing. Allele origin: unknown.

Labcorp Genetics (formerly Invitae), Labcorp
Classification: Uncertain significance for Ataxia-telangiectasia syndrome. Last evaluated: 2022-06-01. Review status: criteria provided, single submitter. Criteria: Invitae Variant Classification Sherloc (09022015). Collection method: clinical testing. Allele origin: germline.
Comment: ClinVar contains an entry for this variant (Variation ID: 482679). This variant has not been reported in the literature in individuals affected with ATM-related conditions. This variant is not present in population databases (gnomAD no frequency). This sequence change replaces leucine, which is neutral and non-polar, with valine, which is neutral and non-polar, at codon 1527 of the ATM protein (p.Leu1527Val). Advanced modeling of protein sequence and biophysical properties (such as structural, functional, and spatial information, amino acid conservation, physicochemical variation, residue mobility, and thermodynamic stability) performed at Invitae indicates that this missense variant is not expected to disrupt ATM protein function. In summary, the available evidence is currently insufficient to determine the role of this variant in disease. Therefore, it has been classified as a Variant of Uncertain Significance.

Ambry Genetics
Classification: Uncertain significance for Hereditary cancer-predisposing syndrome. Last evaluated: 2017-01-16. Review status: criteria provided, single submitter. Criteria: Ambry Variant Classification Scheme 2023. Collection method: clinical testing. Allele origin: germline.
Comment: The p.L1527V variant (also known as c.4579C>G), located in coding exon 29 of the ATM gene, results from a C to G substitution at nucleotide position 4579. The leucine at codon 1527 is replaced by valine, an amino acid with highly similar properties. This amino acid position is well conserved in available vertebrate species. In addition, this alteration is predicted to be tolerated by in silico analysis. Since supporting evidence is limited at this time, the clinical significance of this alteration remains unclear.

Natera, Inc.
Classification: Uncertain significance for Ataxia-telangiectasia. Last evaluated: 2025-05-13. Review status: no assertion criteria provided. Collection method: clinical testing. Allele origin: germline. Not counted in ClinVar's aggregate classification.